The following is an entry in ClinVar:

ClinVar aggregate classification (germline): Uncertain significance (1 of 4 stars; one submission).

Allele frequency attached by ClinVar (database versions not stated): TOPMed 0.00001; ExAC 0.00002.
gnomAD v4.1: 58 of 1,613,632 alleles (0.0036%); highest among the groups gnomAD compares: Non-Finnish European, 0.0045%; no homozygotes.

Submission:

Labcorp Genetics (formerly Invitae), Labcorp
Classification: Uncertain significance. Last evaluated: 2023-11-27. Review status: criteria provided, single submitter. Criteria: Invitae Variant Classification Sherloc (09022015). Collection method: clinical testing. Allele origin: germline.
Comment: This sequence change replaces arginine, which is basic and polar, with glutamine, which is neutral and polar, at codon 1265 of the TUBGCP6 protein (p.Arg1265Gln). This variant is present in population databases (rs201525094, gnomAD 0.005%). This variant has not been reported in the literature in individuals affected with TUBGCP6-related conditions. ClinVar contains an entry for this variant (Variation ID: 862613). An algorithm developed to predict the effect of missense changes on protein structure and function (PolyPhen-2) suggests that this variant is likely to be tolerated. In summary, the available evidence is currently insufficient to determine the role of this variant in disease. Therefore, it has been classified as a Variant of Uncertain Significance.

NM_020461.4(TUBGCP6):c.3794G>A (p.Arg1265Gln)

Gene: TUBGCP6 (tubulin gamma complex component 6; minus strand). Cytogenetic location: 22q13.33.
Variant type: single nucleotide variant.
Coding change: c.3794G>A on transcript NM_020461.4 (MANE Select); coding-DNA position 3794, G replaced by A.
Protein change: p.Arg1265Gln; replaces arginine 1265 with glutamine.
Molecular consequence: missense variant.
Genome position (GRCh38, 1-based): chr22:50,220,565, C>T on the plus strand (G>A on the coding strand, the complement: TUBGCP6 is on the minus strand). VCF-style: chr22-50220565-C-T. GRCh37 (hg19) VCF-style: chr22-50658994-C-T.
Other names: short protein forms R1265Q.
Identifiers: ClinVar variation 862613 (VCV000862613.7), dbSNP rs201525094, ClinGen allele CA10307821.